The following is an entry in ClinVar:

NM_000128.4(F11):c.865+1G>A

Gene: F11 (coagulation factor XI; plus strand). Cytogenetic location: 4q35.2.
Variant type: single nucleotide variant.
Coding change: c.865+1G>A on transcript NM_000128.4 (MANE Select); the canonical splice donor site of the intron after coding-DNA position 865, G replaced by A.
Molecular consequence: splice donor variant.
Genome position (GRCh38, 1-based): chr4:186,280,122, G>A. VCF-style: chr4-186280122-G-A. GRCh37 (hg19) VCF-style: chr4-187201276-G-A.
Identifiers: ClinVar variation 1067698 (VCV001067698.8), dbSNP rs1349655563, ClinGen allele CA358937473.

ClinVar aggregate classification (germline): Likely pathogenic. Review status: criteria provided, single submitter (1 of 4 stars). 2 submissions from 2 submitters: Likely pathogenic (1). 1 of the submissions does not count toward it. Last evaluated 2020-06-09.

Conditions:
Plasma factor XI deficiency.

Submissions (2):

Labcorp Genetics (formerly Invitae), Labcorp
Classification: Likely pathogenic. Last evaluated: 2020-06-09. Review status: criteria provided, single submitter. Criteria: Invitae Variant Classification Sherloc (09022015). Collection method: clinical testing. Allele origin: germline.
Comment: This sequence change affects a donor splice site in intron 8 of the F11 gene. It is expected to disrupt RNA splicing and likely results in an absent or disrupted protein product. This variant is not present in population databases (ExAC no frequency). This variant has not been reported in the literature in individuals with F11-related conditions. Algorithms developed to predict the effect of sequence changes on RNA splicing suggest that this variant may disrupt the consensus splice site, but this prediction has not been confirmed by published transcriptional studies. Donor and acceptor splice site variants typically lead to a loss of protein function (PMID: 16199547), and loss-of-function variants in F11 are known to be pathogenic (PMID: 23929304). In summary, the currently available evidence indicates that the variant is pathogenic, but additional data are needed to prove that conclusively. Therefore, this variant has been classified as Likely Pathogenic.

Natera, Inc.
Classification: Likely pathogenic for Plasma factor XI deficiency. Last evaluated: 2021-02-17. Review status: no assertion criteria provided. Collection method: clinical testing. Allele origin: germline. Not counted in ClinVar's aggregate classification.

Literature cited by the submitters: PubMed 16199547 (cited by Labcorp Genetics (formerly Invitae), Labcorp); PubMed 23929304 (cited by Labcorp Genetics (formerly Invitae), Labcorp).